The following is an entry in ClinVar:

ClinVar aggregate classification (germline): Uncertain significance (1 of 4 stars; one submission).

Conditions:
Carnitine palmitoyl transferase 1A deficiency. Also called: Carnitine palmitoyltransferase type I deficiency; CPT I DEFICIENCY; CPT DEFICIENCY, HEPATIC, TYPE I; Carnitine palmitoyltransferase 1A deficiency; CPT deficiency, hepatic, type IA. Identifiers: Orphanet 156, MedGen C1829703, MONDO:0009705, OMIM 255120.

Allele frequency attached by ClinVar (database versions not stated): ExAC 0.00001; TOPMed 0.00001; gnomAD 0.00002; gnomAD exomes 0.00002.
gnomAD v4.1: 25 of 1,609,054 alleles (0.0016%); highest among the groups gnomAD compares: Non-Finnish European, 0.002%; no homozygotes.

Submission:

Labcorp Genetics (formerly Invitae), Labcorp
Classification: Uncertain significance for Carnitine palmitoyl transferase 1A deficiency. Last evaluated: 2022-06-08. Review status: criteria provided, single submitter. Criteria: Invitae Variant Classification Sherloc (09022015). Collection method: clinical testing. Allele origin: germline.
Comment: This sequence change falls in intron 5 of the CPT1A gene. It does not directly change the encoded amino acid sequence of the CPT1A protein. It affects a nucleotide within the consensus splice site. This variant is present in population databases (rs758993293, gnomAD 0.002%). This variant has not been reported in the literature in individuals affected with CPT1A-related conditions. Variants that disrupt the consensus splice site are a relatively common cause of aberrant splicing (PMID: 17576681, 9536098). Algorithms developed to predict the effect of sequence changes on RNA splicing suggest that this variant may disrupt the consensus splice site. In summary, the available evidence is currently insufficient to determine the role of this variant in disease. Therefore, it has been classified as a Variant of Uncertain Significance.

Literature cited by the submitters: PubMed 17576681; PubMed 9536098.

NM_001876.4(CPT1A):c.555+6T>C

Gene: CPT1A (carnitine palmitoyltransferase 1A; minus strand). Cytogenetic location: 11q13.3.
Variant type: single nucleotide variant.
Coding change: c.555+6T>C on transcript NM_001876.4 (MANE Select); 6 bases into the intron after coding-DNA position 555, T replaced by C.
Molecular consequence: intron variant.
Genome position (GRCh38, 1-based): chr11:68,803,994, A>G on the plus strand (T>C on the coding strand, the complement: CPT1A is on the minus strand). VCF-style: chr11-68803994-A-G. GRCh37 (hg19) VCF-style: chr11-68571462-A-G.
Other names: c.555+6T>C (NM_001031847.3).
Identifiers: ClinVar variation 2201890 (VCV002201890.1), dbSNP rs758993293, ClinGen allele CA6152631.